The following is an entry in ClinVar:

NM_173348.2(FAM149B1):c.1388C>T (p.Pro463Leu)

Genes: DNAJC9 (DnaJ heat shock protein family (Hsp40) member C9; minus strand), FAM149B1 (family with sequence similarity 149 member B1; plus strand). Cytogenetic location: 10q22.2.
Variant type: single nucleotide variant.
Coding change: c.1388C>T on transcript NM_173348.2 (MANE Select); coding-DNA position 1388, C replaced by T.
Protein change: p.Pro463Leu; replaces proline 463 with leucine.
Molecular consequence: missense variant.
Genome position (GRCh38, 1-based): chr10:73,234,852, C>T. VCF-style: chr10-73234852-C-T. GRCh37 (hg19) VCF-style: chr10-74994610-C-T.
Other names: short protein forms P463L.
Identifiers: ClinVar variation 3603045 (VCV003603045.3).

ClinVar aggregate classification (germline): Uncertain significance. Review status: criteria provided, multiple submitters, no conflicts (2 of 4 stars). 3 submissions from 3 submitters: Uncertain significance (3). Last evaluated 2025-04-10.

gnomAD v4.1: 28 of 1,551,512 alleles (0.0018%); highest among the groups gnomAD compares: African/African-American, 0.012%; no homozygotes.

Submissions (3):

Greenwood Genetic Center Diagnostic Laboratories, Greenwood Genetic Center
Classification: Uncertain significance. Last evaluated: 2025-04-10. Review status: criteria provided, single submitter. Criteria: ACMG Guidelines, 2015. Collection method: clinical testing. Allele origin: germline. Affected: yes.
Comment: PM2, BP4

Ambry Genetics
Classification: Uncertain significance. Last evaluated: 2025-02-25. Review status: criteria provided, single submitter. Criteria: Ambry Variant Classification Scheme 2023. Collection method: clinical testing. Allele origin: germline.

GeneDx
Classification: Uncertain significance. Last evaluated: 2024-08-03. Review status: criteria provided, single submitter. Criteria: GeneDx Variant Classification Process June 2021. Collection method: clinical testing. Allele origin: germline. Affected: yes.
Comment: In silico analysis supports that this missense variant has a deleterious effect on protein structure/function; Has not been previously published as pathogenic or benign to our knowledge